The following is an entry in ClinVar:

ClinVar aggregate classification (germline): Pathogenic (1 of 4 stars; one submission).

Conditions:
Nemaline myopathy 2 (NEM2). Also called: Nemaline myopathy 2, autosomal recessive. Identifiers: MedGen C1850569, MONDO:0009725, OMIM 256030.

Submission:

Myriad Genetics, Inc.
Classification: Pathogenic for Nemaline myopathy 2. Last evaluated: 2023-08-22. Review status: criteria provided, single submitter. Criteria: Myriad Autosomal Dominant, Autosomal Recessive and X-Linked Classification Criteria (2023). Collection method: clinical testing. Allele origin: unknown.
Comment: NM_001271208.1(NEB):c.10603delA(I3535Lfs*12) is expected to be pathogenic in the context of NEB-related nemaline myopathy. This variant is predicted to lead to an abnormal or absent protein product due to the creation of a premature termination codon in NEB, a gene where loss-of-function variants are known to be pathogenic. Please note: this variant was assessed in the context of healthy population screening.

NM_001164508.2(NEB):c.10603del (p.Ile3535fs)

Gene: NEB (nebulin; minus strand). Cytogenetic location: 2q23.3.
Variant type: Deletion.
Coding change: c.10603del on transcript NM_001164508.2 (MANE Select); coding-DNA position 10603, one base deleted (A; older notation c.10603delA).
Protein change: p.Ile3535fs; shifts the reading frame from isoleucine 3535.
Molecular consequence: frameshift variant.
Genome position (GRCh38, 1-based): chr2:151,619,720, T deleted on the plus strand (A on the coding strand, the reverse complement: NEB is on the minus strand). VCF-style (leftmost placement, unchanged base first): chr2-151619719-AT-A. GRCh37 (hg19) VCF-style: chr2-152476233-AT-A.
Other names: c.10603del, p.Ile3535fs (NM_001164507.2, NM_001271208.2); c.9874del, p.Ile3292fs (NM_004543.5); short protein forms I3292fs, I3535fs.
Identifiers: ClinVar variation 5011460 (VCV005011460.1).
Genomic context (GRCh38, chr2:151,619,719, plus strand): 5'-ACTTTGGCAATGTGGAGGGACCACATTATCTTGGGGTCATCGTGTACTGCTCGGGCGCCA[AT>A]GTGGTGACCCAACTGTTTACGATATGCTTCTTTGTATTTGTACTGAAAGAGAGAATCCAG-3'